The following is an entry in ClinVar:

NM_001384474.1(LOXHD1):c.128G>T (p.Arg43Ile)

Gene: LOXHD1 (lipoxygenase homology PLAT domains 1; minus strand). Cytogenetic location: 18q21.1.
Variant type: single nucleotide variant.
Coding change: c.128G>T on transcript NM_001384474.1 (MANE Select); coding-DNA position 128, G replaced by T.
Protein change: p.Arg43Ile; replaces arginine 43 with isoleucine.
Molecular consequence: missense variant.
Genome position (GRCh38, 1-based): chr18:46,656,906, C>A on the plus strand (G>T on the coding strand, the complement: LOXHD1 is on the minus strand). VCF-style: chr18-46656906-C-A. GRCh37 (hg19) VCF-style: chr18-44236869-C-A.
Other names: c.128G>T, p.Arg43Ile (NM_144612.7); short protein forms R43I.
Identifiers: ClinVar variation 3373424 (VCV003373424.1).

ClinVar aggregate classification (germline): Uncertain significance (1 of 4 stars; one submission).

gnomAD v4.1: 2 of 1,551,556 alleles (0.00013%); highest among the groups gnomAD compares: Non-Finnish European, 0.00017%; no homozygotes.

Submission:

GeneDx
Classification: Uncertain significance. Last evaluated: 2024-02-28. Review status: criteria provided, single submitter. Criteria: GeneDx Variant Classification Process June 2021. Collection method: clinical testing. Allele origin: germline. Affected: yes.
Comment: Not observed at significant frequency in large population cohorts (gnomAD); In silico analysis supports that this missense variant does not alter protein structure/function; Has not been previously published as pathogenic or benign to our knowledge